The following is an entry in ClinVar:

NM_003737.4(DCHS1):c.8845G>T (p.Val2949Leu)

Gene: DCHS1 (dachsous cadherin-related 1; minus strand). Cytogenetic location: 11p15.4.
Variant type: single nucleotide variant.
Coding change: c.8845G>T on transcript NM_003737.4 (MANE Select); coding-DNA position 8845, G replaced by T.
Protein change: p.Val2949Leu; replaces valine 2949 with leucine.
Molecular consequence: missense variant.
Genome position (GRCh38, 1-based): chr11:6,622,831, C>A on the plus strand (G>T on the coding strand, the complement: DCHS1 is on the minus strand). VCF-style: chr11-6622831-C-A. GRCh37 (hg19) VCF-style: chr11-6644062-C-A.
Other names: short protein forms V2949L.
Identifiers: ClinVar variation 1926898 (VCV001926898.5), dbSNP rs773513175, ClinGen allele CA379480228.
Genomic context (GRCh38, chr11:6,622,831, plus strand): 5'-CAGCCTTGCGGCTACGGGCCCGAACAAGTCCTAGGACCAGGGCTGCCAGTGCAAGCACCA[C>A]CACAACTCCCAAGGAGGCTGCCACGGCCCCTACTAATAGCAGGTTGAGGTCAGGTGCCAG-3'
Protein context (NP_003728.1, residues 2939-2959): GAVAASLGVV[Val2949Leu]VLALAALVLG

ClinVar aggregate classification (germline): Uncertain significance (1 of 4 stars; one submission).

Submission:

Labcorp Genetics (formerly Invitae), Labcorp
Classification: Uncertain significance. Last evaluated: 2025-07-21. Review status: criteria provided, single submitter. Criteria: Invitae Variant Classification Sherloc (09022015). Collection method: clinical testing. Allele origin: germline.
Comment: This sequence change replaces valine, which is neutral and non-polar, with leucine, which is neutral and non-polar, at codon 2949 of the DCHS1 protein (p.Val2949Leu). This variant is not present in population databases (gnomAD no frequency). This variant has not been reported in the literature in individuals affected with DCHS1-related conditions. ClinVar contains an entry for this variant (Variation ID: 1926898). Invitae Evidence Modeling of protein sequence and biophysical properties (such as structural, functional, and spatial information, amino acid conservation, physicochemical variation, residue mobility, and thermodynamic stability) indicates that this missense variant is not expected to disrupt DCHS1 protein function with a negative predictive value of 80%. In summary, the available evidence is currently insufficient to determine the role of this variant in disease. Therefore, it has been classified as a Variant of Uncertain Significance.